The following is an entry in ClinVar:

NM_033026.6(PCLO):c.257A>G (p.Glu86Gly)

Gene: PCLO (piccolo presynaptic cytomatrix protein; minus strand). Cytogenetic location: 7q21.11.
Variant type: single nucleotide variant.
Coding change: c.257A>G on transcript NM_033026.6 (MANE Select); coding-DNA position 257, A replaced by G.
Protein change: p.Glu86Gly; replaces glutamic acid 86 with glycine.
Molecular consequence: missense variant.
Genome position (GRCh38, 1-based): chr7:83,156,384, T>C on the plus strand (A>G on the coding strand, the complement: PCLO is on the minus strand). VCF-style: chr7-83156384-T-C. GRCh37 (hg19) VCF-style: chr7-82785700-T-C.
Other names: c.257A>G, p.Glu86Gly (NM_014510.3); c.257A>G (NM_033026.5); short protein forms E86G.
Identifiers: ClinVar variation 1470322 (VCV001470322.8), dbSNP rs201898064, ClinGen allele CA161191761.

ClinVar aggregate classification (germline): Uncertain significance. Review status: criteria provided, multiple submitters, no conflicts (2 of 4 stars). 2 submissions from 2 submitters: Uncertain significance (2). Last evaluated 2023-06-26.

Conditions:
Inborn genetic diseases. Identifiers: MedGen C0950123, MeSH D030342.

Allele frequency attached by ClinVar (database versions not stated): TOPMed below 0.00001; gnomAD 0.00001; 1000 Genomes Project 30x 0.00016; 1000 Genomes Project 0.00020.
gnomAD v4.1: 3 of 1,518,866 alleles (0.0002%); highest among the groups gnomAD compares: Non-Finnish European, 0.00027%; no homozygotes.

Submissions (2):

Ambry Genetics
Classification: Uncertain significance for Inborn genetic diseases. Last evaluated: 2023-06-26. Review status: criteria provided, single submitter. Criteria: Ambry Variant Classification Scheme 2023. Collection method: clinical testing. Allele origin: germline.

Labcorp Genetics (formerly Invitae), Labcorp
Classification: Uncertain significance. Last evaluated: 2022-08-22. Review status: criteria provided, single submitter. Criteria: Invitae Variant Classification Sherloc (09022015). Collection method: clinical testing. Allele origin: germline.
Comment: This sequence change replaces glutamic acid, which is acidic and polar, with glycine, which is neutral and non-polar, at codon 86 of the PCLO protein (p.Glu86Gly). In summary, the available evidence is currently insufficient to determine the role of this variant in disease. Therefore, it has been classified as a Variant of Uncertain Significance. Algorithms developed to predict the effect of missense changes on protein structure and function are either unavailable or do not agree on the potential impact of this missense change (SIFT: "Deleterious"; PolyPhen-2: "Not Available"; Align-GVGD: "Class C0"). ClinVar contains an entry for this variant (Variation ID: 1470322). This variant has not been reported in the literature in individuals affected with PCLO-related conditions. This variant is not present in population databases (gnomAD no frequency).